The following is an entry in ClinVar:

ClinVar aggregate classification (germline): Likely benign (1 of 4 stars; one submission).

Conditions:
PLEC-related disorder. Also called: PLEC-related condition; PLEC-related disorders.

Submission:

PreventionGenetics, part of Exact Sciences
Classification: Likely benign for PLEC-related condition. Last evaluated: 2026-02-11. Review status: criteria provided, single submitter. Criteria: ACMG Guidelines, 2015. Collection method: clinical testing. Allele origin: germline.
Comment: This variant is classified as likely benign based on ACMG/AMP sequence variant interpretation guidelines (Richards et al. 2015 PMID: 25741868, with internal and published modifications).

NM_201378.4(PLEC):c.71-11529C>G

Gene: PLEC (plectin; minus strand). Cytogenetic location: 8q24.3.
Variant type: single nucleotide variant.
Coding change: c.71-11529C>G on transcript NM_201378.4 (MANE Plus Clinical); 11529 bases into the intron before coding-DNA position 71, C replaced by G.
Molecular consequence: intron variant. On other transcripts: synonymous variant (1).
Genome position (GRCh38, 1-based): chr8:143,950,221, G>C on the plus strand (C>G on the coding strand, the complement: PLEC is on the minus strand). VCF-style: chr8-143950221-G-C. GRCh37 (hg19) VCF-style: chr8-145024389-G-C.
Other names: c.486C>G, p.Thr162= (NM_201380.4); c.194-11529C>G (NM_001410941.1, NM_000445.5); c.46+3505C>G (NM_201379.3).
Identifiers: ClinVar variation 4992720 (VCV004992720.1).